The following is an entry in ClinVar:

ClinVar aggregate classification (germline): Likely benign. Review status: criteria provided, multiple submitters, no conflicts (2 of 4 stars). 2 submissions from 2 submitters: Likely benign (2). Last evaluated 2024-10-01.

Conditions:
Rubinstein-Taybi syndrome (RSTS). Identifiers: Orphanet 783, MedGen C0035934, MONDO:0019188.

gnomAD v4.1: 4 of 1,614,012 alleles (0.00025%); highest among the groups gnomAD compares: Non-Finnish European, 0.00034%; no homozygotes.

Submissions (2):

CeGaT Center for Human Genetics Tuebingen
Classification: Likely benign. Last evaluated: 2024-10-01. Review status: criteria provided, single submitter. Criteria: CeGaT Center For Human Genetics Tuebingen Variant Classification Criteria Version 2. Collection method: clinical testing. Allele origin: germline. Affected: yes. Observed: 1 variant allele.
Comment: CREBBP: BP4, BP7

Labcorp Genetics (formerly Invitae), Labcorp
Classification: Likely benign for Rubinstein-Taybi syndrome. Last evaluated: 2024-07-11. Review status: criteria provided, single submitter. Criteria: Invitae Variant Classification Sherloc (09022015). Collection method: clinical testing. Allele origin: germline.

NM_004380.3(CREBBP):c.1170C>T (p.Asn390=)

Gene: CREBBP (CREB binding lysine acetyltransferase; minus strand). Cytogenetic location: 16p13.3.
Variant type: single nucleotide variant.
Coding change: c.1170C>T on transcript NM_004380.3 (MANE Select); coding-DNA position 1170, C replaced by T.
Protein change: p.Asn390=; no amino-acid change (asparagine 390 retained).
Molecular consequence: synonymous variant.
Genome position (GRCh38, 1-based): chr16:3,793,432, G>A on the plus strand (C>T on the coding strand, the complement: CREBBP is on the minus strand). VCF-style: chr16-3793432-G-A. GRCh37 (hg19) VCF-style: chr16-3843433-G-A.
Other names: c.1170C>T, p.Asn390= (NM_001079846.1).
Identifiers: ClinVar variation 3389852 (VCV003389852.16).